The following is an entry in ClinVar:

NM_014915.3(ANKRD26):c.1375A>G (p.Ile459Val)

Gene: ANKRD26 (ankyrin repeat domain containing 26; minus strand). Cytogenetic location: 10p12.1.
Variant type: single nucleotide variant.
Coding change: c.1375A>G on transcript NM_014915.3 (MANE Select); coding-DNA position 1375, A replaced by G.
Protein change: p.Ile459Val; replaces isoleucine 459 with valine.
Molecular consequence: missense variant.
Genome position (GRCh38, 1-based): chr10:27,061,231, T>C on the plus strand (A>G on the coding strand, the complement: ANKRD26 is on the minus strand). VCF-style: chr10-27061231-T-C. GRCh37 (hg19) VCF-style: chr10-27350160-T-C.
Other names: c.1375A>G, p.Ile459Val (NM_001256053.2); short protein forms I459V.
Identifiers: ClinVar variation 3868203 (VCV003868203.1).

ClinVar aggregate classification (germline): Uncertain significance (1 of 4 stars; one submission).

Conditions:
Inborn genetic diseases. Identifiers: MedGen C0950123, MeSH D030342.

gnomAD v4.1: 3 of 1,597,614 alleles (0.00019%); highest among the groups gnomAD compares: Middle Eastern, 0.017%; no homozygotes.

Submission:

Ambry Genetics
Classification: Uncertain significance for Inborn genetic diseases. Last evaluated: 2025-02-27. Review status: criteria provided, single submitter. Criteria: Ambry Variant Classification Scheme 2023. Collection method: clinical testing. Allele origin: germline.
Comment: The p.I459V variant (also known as c.1375A>G), located in coding exon 13 of the ANKRD26 gene, results from an A to G substitution at nucleotide position 1375. The isoleucine at codon 459 is replaced by valine, an amino acid with highly similar properties. This amino acid position is conserved. In addition, this alteration is predicted to be tolerated by in silico analysis. Based on the available evidence, the clinical significance of this variant remains unclear.